The following is an entry in ClinVar:

ClinVar aggregate classification (germline): Uncertain significance. Review status: criteria provided, multiple submitters, no conflicts (2 of 4 stars). 2 submissions from 2 submitters: Uncertain significance (2). Last evaluated 2026-01-17.

Conditions:
NAF1-related disorder. Also called: NAF1-related condition.

Allele frequency attached by ClinVar (database versions not stated): TOPMed 0.00005; 1000 Genomes Project 0.00020; 1000 Genomes Project 30x 0.00031; gnomAD 0.00003; ExAC 0.00004; gnomAD exomes 0.00004.
gnomAD v4.1: 58 of 1,585,752 alleles (0.0037%); highest among the groups gnomAD compares: South Asian, 0.029%; 2 homozygotes.

Submissions (2):

Labcorp Genetics (formerly Invitae), Labcorp
Classification: Uncertain significance. Last evaluated: 2026-01-17. Review status: criteria provided, single submitter. Criteria: Invitae Variant Classification Sherloc (09022015). Collection method: clinical testing. Allele origin: germline.
Comment: This sequence change replaces isoleucine, which is neutral and non-polar, with valine, which is neutral and non-polar, at codon 190 of the NAF1 protein (p.Ile190Val). This variant is present in population databases (rs199804224, gnomAD 0.03%). This variant has not been reported in the literature in individuals affected with NAF1-related conditions. ClinVar contains an entry for this variant (Variation ID: 2634938). An algorithm developed to predict the effect of missense changes on protein structure and function outputs the following: PolyPhen-2: "Benign". The valine amino acid residue is found in multiple mammalian species, which suggests that this missense change does not adversely affect protein function. In summary, the available evidence is currently insufficient to determine the role of this variant in disease. Therefore, it has been classified as a Variant of Uncertain Significance.

PreventionGenetics, part of Exact Sciences
Classification: Uncertain significance for NAF1-related condition. Last evaluated: 2023-03-15. Review status: criteria provided, single submitter. Criteria: ACMG Guidelines, 2015. Collection method: clinical testing. Allele origin: germline.
Comment: The NAF1 c.568A>G variant is predicted to result in the amino acid substitution p.Ile190Val. To our knowledge, this variant has not been reported in the literature. This variant is reported in 0.026% of alleles in individuals of South Asian descent in gnomAD. At this time, the clinical significance of this variant is uncertain due to the absence of conclusive functional and genetic evidence.

NM_138386.3(NAF1):c.568A>G (p.Ile190Val)

Gene: NAF1 (nuclear assembly factor 1 ribonucleoprotein; minus strand). Cytogenetic location: 4q32.2.
Variant type: single nucleotide variant.
Coding change: c.568A>G on transcript NM_138386.3 (MANE Select); coding-DNA position 568, A replaced by G.
Protein change: p.Ile190Val; replaces isoleucine 190 with valine.
Molecular consequence: missense variant.
Genome position (GRCh38, 1-based): chr4:163,148,407, T>C on the plus strand (A>G on the coding strand, the complement: NAF1 is on the minus strand). VCF-style: chr4-163148407-T-C. GRCh37 (hg19) VCF-style: chr4-164069559-T-C.
Other names: c.568A>G, p.Ile190Val (NM_001128931.2); short protein forms I190V.
Identifiers: ClinVar variation 2634938 (VCV002634938.4), dbSNP rs199804224, ClinGen allele CA3126333.
Genomic context (GRCh38, chr4:163,148,407, plus strand): 5'-GTTCAATAATACTTGAAACCATCCCAAGAGGCTTTAACTCAATATCTTCAGGCAGAATAA[T>C]AGTGAGTTCTTCAACAGAAGGCAGTTCCTATAATTTAAAACAAAACAAAACATTAAACTT-3'
Protein context (NP_612395.2, residues 180-200): NELPSVEELT[Ile190Val]ILPEDIELKP